The following is an entry in ClinVar:

NM_004036.5(ADCY3):c.458_460del (p.Ser153del)

Gene: ADCY3 (adenylate cyclase 3; minus strand). Cytogenetic location: 2p23.3.
Variant type: Deletion.
Coding change: c.458_460del on transcript NM_004036.5 (MANE Select); coding-DNA positions 458 to 460, 3 bases deleted (CCT; older notation c.458_460delCCT).
Protein change: p.Ser153del; deletes serine 153.
Molecular consequence: inframe deletion.
Genome position (GRCh38, 1-based): chr2:24,918,528-24,918,530, AGG deleted on the plus strand (CCT on the coding strand, the reverse complement: ADCY3 is on the minus strand); deleting any 3 consecutive bases within chr2:24,918,528-24,918,532 gives the same sequence; the c. name uses the placement nearest the transcript's 3' end. VCF-style (leftmost placement, unchanged base first): chr2-24918527-TAGG-T. GRCh37 (hg19) VCF-style: chr2-25141396-TAGG-T.
Other names: c.458_460del, p.Ser153del (NM_001320613.2, NM_001377128.1, NM_001377129.1 and 2 more transcripts); short protein forms S153del.
Identifiers: ClinVar variation 4993560 (VCV004993560.1).

ClinVar aggregate classification (germline): Uncertain significance (1 of 4 stars; one submission).

Conditions:
ADCY3-related disorder. Also called: ADCY3-related condition.

Submission:

PreventionGenetics, part of Exact Sciences
Classification: Uncertain significance for ADCY3-related condition. Last evaluated: 2026-05-11. Review status: criteria provided, single submitter. Criteria: ACMG Guidelines, 2015. Collection method: clinical testing. Allele origin: germline.
Comment: The ADCY3 c.458_460delCCT variant is predicted to result in an in-frame deletion (p.Ser153del). To our knowledge, this variant has not been reported in the literature. This variant is reported in 0.0054% of alleles in individuals of East Asian descent in gnomAD. At this time, the clinical significance of this variant is uncertain due to the absence of conclusive functional and genetic evidence.